The following is an entry in ClinVar:

NM_002660.3(PLCG1):c.2258G>C (p.Arg753Pro)

Gene: PLCG1 (phospholipase C gamma 1; plus strand). Cytogenetic location: 20q12.
Variant type: single nucleotide variant.
Coding change: c.2258G>C on transcript NM_002660.3 (MANE Select); coding-DNA position 2258, G replaced by C.
Protein change: p.Arg753Pro; replaces arginine 753 with proline.
Molecular consequence: missense variant.
Genome position (GRCh38, 1-based): chr20:41,166,816, G>C. VCF-style: chr20-41166816-G-C. GRCh37 (hg19) VCF-style: chr20-39795456-G-C.
Other names: c.2258G>C, p.Arg753Pro (NM_182811.2); short protein forms R753P.
Identifiers: ClinVar variation 4891040 (VCV004891040.1).

ClinVar aggregate classification (germline): Uncertain significance (1 of 4 stars; one submission).

Submission:

Greenwood Genetic Center Diagnostic Laboratories, Greenwood Genetic Center
Classification: Uncertain significance. Last evaluated: 2026-04-28. Review status: criteria provided, single submitter. Criteria: ACMG Guidelines, 2015. Collection method: clinical testing. Allele origin: germline.
Comment: PM2, PP2, PP3